The following continues an entry in ClinVar:

NM_022132.5(MCCC2):c.1015G>A (p.Val339Met)

Gene: MCCC2. ClinVar aggregate classification (germline): Pathogenic/Likely pathogenic. Pathogenic (22); Likely pathogenic (6).

Submissions 29 to 34 of 34:

Diagnostics Centre, Carl Von Ossietzky University Oldenburg
Classification: Likely pathogenic. Last evaluated: 2025-06-11. Review status: no assertion criteria provided. Collection method: clinical testing. Allele origin: germline. Affected: yes. Observed: 1 variant allele. Not counted in ClinVar's aggregate classification.
Comment: The variant MCCC2:c.1015G>A p.(Val339Met), is located in coding exon 11 of the MCC2 and results from a guanine-to-adenine substitution at nucleotide position c.1015. The valine at protein position 339 is replaced by a methionine, an amino acid with similar properties. The variant has been classified as (Likely) Pathogenic on 21 entries in ClinVar (VCV000203805.87). In silico tools predict a strong deleterious effect in the protein structure/function (REVEL = 0,95). The variant has been detected in homozogous and/or compound heterozygous state on unrelated individuals affected with MCCC2-related disorders (PMID: 22642865, 27601257). Experimental studies have shown that the variant impairs the function of MCCC2 (PMID: 11181649). The variant is classified as rare in the overall population (MAF 6,7 * e-4 in gnomAD v4.1.0). In summary, the variant is classified as Likely pathogenic.

PreventionGenetics, part of Exact Sciences
Classification: Pathogenic for MCCC2-related condition. Last evaluated: 2024-06-25. Review status: no assertion criteria provided. Collection method: clinical testing. Allele origin: germline. Not counted in ClinVar's aggregate classification.
Comment: The MCCC2 c.1015G>A variant is predicted to result in the amino acid substitution p.Val339Met. This variant has been reported in the compound heterozygous state in many patients biochemically and/or enzymatically diagnosed with 3-methylcrotonyl-CoA carboxylase deficiency (e.g., Grünert et al. 2012. PubMed ID: 22642865; Fonseca et al. 2016. PubMed ID: 27601257). This variant has been reported to greatly decrease the activity of the 3-methylcrotonyl-CoA carboxylase enzyme (Baumgartner et al. 2001. PubMed ID: 11181649). It is reported in 0.18% of alleles in individuals of Ashkenazi Jewish descent in gnomAD. Based on the collective evidence, this variant is interpreted as pathogenic.

Undiagnosed Diseases Network, NIH
Classification: Pathogenic for 3-methylcrotonyl-CoA carboxylase 2 deficiency. Last evaluated: 2023-06-30. Review status: no assertion criteria provided. Collection method: clinical testing. Allele origin: paternal. Affected: yes. Observed: 1 variant allele, 1 compound heterozygote. Study: Undiagnosed Diseases Network (NIH), UDN. Not counted in ClinVar's aggregate classification.

Biochemical Molecular Genetic Laboratory, King Abdulaziz Medical City
Classification: Pathogenic for 3-methylcrotonyl-CoA carboxylase 2 deficiency. Last evaluated: 2020-09-10. Review status: no assertion criteria provided. Collection method: clinical testing. Allele origin: germline. Affected: yes. Not counted in ClinVar's aggregate classification.

Clinical Genetics DNA and cytogenetics Diagnostics Lab, Erasmus MC, Erasmus Medical Center
Classification: Pathogenic. Review status: no assertion criteria provided. Collection method: clinical testing. Allele origin: germline. Affected: yes. Study: VKGL Data-share Consensus. Not counted in ClinVar's aggregate classification.

Genome Diagnostics Laboratory, University Medical Center Utrecht
Classification: Pathogenic. Review status: no assertion criteria provided. Collection method: clinical testing. Allele origin: germline. Affected: yes. Study: VKGL Data-share Consensus. Not counted in ClinVar's aggregate classification.

Literature cited by the submitters: PubMed 25525159 (cited by Department of Molecular Genetics, Istishari Arab Hospital); PubMed 25087612 (cited by Department of Molecular Genetics, Istishari Arab Hospital); PubMed 27601257 (cited by 6 submitters); PubMed 16835865 (cited by Department of Molecular Genetics, Istishari Arab Hospital); PubMed 27033733 (cited by Department of Molecular Genetics, Istishari Arab Hospital and Victorian Clinical Genetics Services, Murdoch Childrens Research Institute); PubMed 11181649 (cited by 7 submitters); PubMed 27391121 (cited by Department of Molecular Genetics, Istishari Arab Hospital); PubMed 26990548 (cited by Department of Molecular Genetics, Istishari Arab Hospital); PubMed 27959697 (cited by Department of Molecular Genetics, Istishari Arab Hospital and Ambry Genetics); PubMed 22642865 (cited by 7 submitters); PubMed 25356967 (cited by Department of Molecular Genetics, Istishari Arab Hospital); PubMed 22264772 (cited by 4 submitters); PubMed 17908719 (cited by Department of Molecular Genetics, Istishari Arab Hospital and Illumina Laboratory Services, Illumina); PubMed 30510438 (cited by 4 submitters); PubMed 31130284 (cited by Department of Molecular Genetics, Istishari Arab Hospital and Ambry Genetics); PubMed 34426522 (cited by Department of Molecular Genetics, Istishari Arab Hospital); PubMed 33238263 (cited by Department of Molecular Genetics, Istishari Arab Hospital); PubMed 32778825 (cited by Department of Molecular Genetics, Istishari Arab Hospital); PubMed 33077954 (cited by Department of Molecular Genetics, Istishari Arab Hospital); PubMed 34899149 (cited by 3billion and Victorian Clinical Genetics Services, Murdoch Childrens Research Institute); PubMed 30626930 (cited by Natera, Inc.); PubMed 26566957 (cited by Victorian Clinical Genetics Services, Murdoch Childrens Research Institute); PubMed 35281663 (cited by Victorian Clinical Genetics Services, Murdoch Childrens Research Institute).